The following is an entry in ClinVar:

NM_000548.5(TSC2):c.4998C>T (p.Phe1666=)

Gene: TSC2 (TSC complex subunit 2; plus strand). Cytogenetic location: 16p13.3.
Variant type: single nucleotide variant.
Coding change: c.4998C>T on transcript NM_000548.5 (MANE Select); coding-DNA position 4998, C replaced by T.
Protein change: p.Phe1666=; no amino-acid change (phenylalanine 1666 retained).
Molecular consequence: synonymous variant. On other transcripts: non-coding transcript variant (5).
Genome position (GRCh38, 1-based): chr16:2,087,871, C>T. VCF-style: chr16-2087871-C-T. GRCh37 (hg19) VCF-style: chr16-2137872-C-T.
Other names: c.4797C>T, p.Phe1599= (NM_001077183.3); c.4929C>T, p.Phe1643= (NM_001114382.3); c.4689C>T, p.Phe1563= (NM_001318827.2); c.4653C>T, p.Phe1551= (NM_001318829.2); c.4266C>T, p.Phe1422= (NM_001318831.2); c.4830C>T, p.Phe1610= (NM_001318832.2); c.4800C>T, p.Phe1600= (NM_001363528.2); c.4866C>T, p.Phe1622= (NM_001370404.1); and 26 more.
Identifiers: ClinVar variation 4071185 (VCV004071185.1).

ClinVar aggregate classification (germline): Benign (1 of 4 stars; one submission).

Conditions:
Tuberous sclerosis 2 (TSC2). Identifiers: Orphanet 805, MedGen C1860707, MONDO:0013199, OMIM 613254.

gnomAD v4.1: 1 of 1,612,420 alleles (0.000062%); highest among the groups gnomAD compares: Non-Finnish European, 0.000085%; no homozygotes.

Submission:

Myriad Genetics, Inc.
Classification: Benign for Tuberous sclerosis 2. Last evaluated: 2025-06-05. Review status: criteria provided, single submitter. Criteria: Myriad Autosomal Dominant, Autosomal Recessive and X-Linked Classification Criteria (2023). Collection method: clinical testing. Allele origin: unknown.
Comment: This variant is considered benign. This variant is a silent/synonymous amino acid change and it is not expected to impact splicing.